The following is an entry in ClinVar:

ClinVar aggregate classification (germline): Uncertain significance. Review status: criteria provided, multiple submitters, no conflicts (2 of 4 stars). 7 submissions from 7 submitters: Uncertain significance (7). Last evaluated 2025-05-27.

Conditions:
Hypotonia, infantile, with psychomotor retardation and characteristic facies 2 (IHPRF2). Also called: UNC80 Deficiency. Identifiers: Orphanet 371364, Orphanet 700333, MedGen C4225203, MONDO:0014777, OMIM 616801.
Inborn genetic diseases. Identifiers: MedGen C0950123, MeSH D030342.

Allele frequency attached by ClinVar (database versions not stated): gnomAD 0.00021 and 0.00023; ExAC 0.00023; TOPMed 0.00026; gnomAD exomes 0.00032 and 0.00046.
gnomAD v4.1: 675 of 1,551,724 alleles (0.044%); highest among the groups gnomAD compares: Non-Finnish European, 0.055%; 1 homozygote.

Submissions (7):

Women's Health and Genetics/Laboratory Corporation of America, LabCorp
Classification: Uncertain significance. Last evaluated: 2025-05-27. Review status: criteria provided, single submitter. Criteria: LabCorp Variant Classification Summary - May 2015. Collection method: clinical testing. Allele origin: germline.
Comment: Variant summary: UNC80 c.9679G>A (p.Glu3227Lys) results in a conservative amino acid change in the encoded protein sequence. Algorithms developed to predict the effect of missense changes on protein structure and function are either unavailable or do not agree on the potential impact of this missense change. The variant allele was found at a frequency of 0.00032 in 157444 control chromosomes (gnomAD). This frequency is not significantly higher than estimated for a pathogenic variant in UNC80 causing Infantile Hypotonia With Psychomotor Retardation And Characteristic Facies 2, allowing no conclusion about variant significance. To our knowledge, no occurrence of c.9679G>A in individuals affected with Infantile Hypotonia With Psychomotor Retardation And Characteristic Facies 2 and no experimental evidence demonstrating its impact on protein function have been reported. ClinVar contains an entry for this variant (Variation ID: 1254153). Based on the evidence outlined above, the variant was classified as uncertain significance.

ARUP Laboratories, Molecular Genetics and Genomics, ARUP Laboratories
Classification: Uncertain significance for Hypotonia, infantile, with psychomotor retardation and characteristic facies 2. Last evaluated: 2025-04-10. Review status: criteria provided, single submitter. Criteria: ARUP Molecular Germline Variant Investigation Process 2024. Collection method: clinical testing. Allele origin: germline.
Comment: The UNC80 c.9679G>A; p.Glu3227Lys variant (rs199783352), to our knowledge, is not reported in the medical literature but is reported in ClinVar (Variation ID: 1254153). This variant is found in the general population with an overall allele frequency of 0.0281% (53/188846 alleles) in the Genome Aggregation Database (v2.1.1). Computational analyses predict that this variant is neutral (REVEL: 0.141). Due to limited information, the clinical significance of this variant is uncertain at this time.

Labcorp Genetics (formerly Invitae), Labcorp
Classification: Uncertain significance. Last evaluated: 2025-01-06. Review status: criteria provided, single submitter. Criteria: Invitae Variant Classification Sherloc (09022015). Collection method: clinical testing. Allele origin: germline.
Comment: This sequence change replaces glutamic acid, which is acidic and polar, with lysine, which is basic and polar, at codon 3227 of the UNC80 protein (p.Glu3227Lys). This variant is present in population databases (rs199783352, gnomAD 0.06%). This variant has not been reported in the literature in individuals affected with UNC80-related conditions. ClinVar contains an entry for this variant (Variation ID: 1254153). Invitae Evidence Modeling of protein sequence and biophysical properties (such as structural, functional, and spatial information, amino acid conservation, physicochemical variation, residue mobility, and thermodynamic stability) indicates that this missense variant is not expected to disrupt UNC80 protein function with a negative predictive value of 80%. In summary, the available evidence is currently insufficient to determine the role of this variant in disease. Therefore, it has been classified as a Variant of Uncertain Significance.

Ambry Genetics
Classification: Uncertain significance for Inborn genetic diseases. Last evaluated: 2024-11-13. Review status: criteria provided, single submitter. Criteria: Ambry Variant Classification Scheme 2023. Collection method: clinical testing. Allele origin: germline.

Blueprint Genetics
Classification: Uncertain significance. Last evaluated: 2024-09-11. Review status: criteria provided, single submitter. Criteria: ACMG Guidelines, 2015. Collection method: clinical testing. Allele origin: germline.

GeneDx
Classification: Uncertain significance. Last evaluated: 2021-08-18. Review status: criteria provided, single submitter. Criteria: GeneDx Variant Classification Process June 2021. Collection method: clinical testing. Allele origin: germline. Affected: yes.
Comment: In silico analysis supports that this missense variant does not alter protein structure/function; Has not been previously published as pathogenic or benign to our knowledge

New York Genome Center
Classification: Uncertain significance for Hypotonia, infantile, with psychomotor retardation and characteristic facies 2. Last evaluated: 2020-06-25. Review status: criteria provided, single submitter. Criteria: NYGC Assertion Criteria 2020. Collection method: clinical testing. Allele origin: germline. Observed: 1 heterozygote. Study: CSER-NYCKidSeq.

NM_001371986.1(UNC80):c.9877G>A (p.Glu3293Lys)

Gene: UNC80 (unc-80 subunit of NALCN channel complex; plus strand). Cytogenetic location: 2q34.
Variant type: single nucleotide variant.
Coding change: c.9877G>A on transcript NM_001371986.1 (MANE Select); coding-DNA position 9877, G replaced by A.
Protein change: p.Glu3293Lys; replaces glutamic acid 3293 with lysine.
Molecular consequence: missense variant.
Genome position (GRCh38, 1-based): chr2:209,995,497, G>A. VCF-style: chr2-209995497-G-A. GRCh37 (hg19) VCF-style: chr2-210860221-G-A.
Other names: c.9679G>A, p.Glu3227Lys (NM_032504.2); c.9607G>A, p.Glu3203Lys (NM_182587.4); short protein forms E3203K, E3227K, E3293K.
Identifiers: ClinVar variation 1254153 (VCV001254153.12), dbSNP rs199783352, ClinGen allele CA2083721.
Genomic context (GRCh38, chr2:209,995,497, plus strand): 5'-ACAGGCCTCGAGACATCCAGCCTCCTACAGCATGGAGACACTGTCCTTCATATCAGTGAG[G>A]AAAATGGCATGGAGAACCCGCTACTATCTAGTCAGTTCACCTTTACTCCCACTGAGCTGG-3'
Protein context (NP_001358915.1, residues 3283-3303): HGDTVLHISE[Glu3293Lys]NGMENPLLSS